The following is an entry in ClinVar:

NM_005188.4(CBL):c.2414_2416dup (p.Leu805_Asp806insVal)

Gene: CBL (Cbl proto-oncogene; plus strand). Cytogenetic location: 11q23.3.
Variant type: Duplication.
Coding change: c.2414_2416dup on transcript NM_005188.4 (MANE Select); coding-DNA positions 2414 to 2416, 3 bases duplicated (TGG; older notation c.2414_2416dupTGG).
Protein change: p.Leu805_Asp806insVal.
Molecular consequence: inframe insertion.
Genome position (GRCh38, 1-based): chr11:119,298,520-119,298,522, TGG duplicated. VCF-style (leftmost placement, unchanged base first): chr11-119298519-C-CTGG. GRCh37 (hg19) VCF-style: chr11-119169229-C-CTGG.
Other names: c.2414_2416dupTGG (NM_005188.3); c.2414_2416dup (NM_005188.2).
Identifiers: ClinVar variation 302787 (VCV000302787.14), dbSNP rs777761446, ClinGen allele CA6318772.

ClinVar aggregate classification (germline): Uncertain significance. Review status: criteria provided, multiple submitters, no conflicts (2 of 4 stars). 2 submissions from 2 submitters: Uncertain significance (2). Last evaluated 2025-09-11.

Conditions:
RASopathy. Also called: Noonan spectrum disorder; rasopathies. Identifiers: Orphanet 536391, MedGen C5555857, MONDO:0021060.

Allele frequency attached by ClinVar (database versions not stated): ExAC 0.00002; gnomAD exomes 0.00001 and 0.00002; gnomAD 0.00001; TOPMed 0.00002.

Submissions (2):

Labcorp Genetics (formerly Invitae), Labcorp
Classification: Uncertain significance for RASopathy. Last evaluated: 2025-09-11. Review status: criteria provided, single submitter. Criteria: Invitae Variant Classification Sherloc (09022015). Collection method: clinical testing. Allele origin: germline.
Comment: This variant, c.2414_2416dup, results in the insertion of 1 amino acid(s) of the CBL protein (p.Leu805_Asp806insVal), but otherwise preserves the integrity of the reading frame. This variant is present in population databases (rs777761446, gnomAD 0.01%). This variant has not been reported in the literature in individuals affected with CBL-related conditions. ClinVar contains an entry for this variant (Variation ID: 302787). In summary, the available evidence is currently insufficient to determine the role of this variant in disease. Therefore, it has been classified as a Variant of Uncertain Significance.

GeneDx
Classification: Uncertain significance. Last evaluated: 2022-08-24. Review status: criteria provided, single submitter. Criteria: GeneDx Variant Classification Process June 2021. Collection method: clinical testing. Allele origin: germline. Affected: yes.
Comment: In-frame insertion of 1 amino acid in a non-repeat region; Has not been previously published as pathogenic or benign to our knowledge; This variant is associated with the following publications: (PMID: 11067845)